The following is an entry in ClinVar:

NM_001818.5(AKR1C4):c.209C>T (p.Ala70Val)

Gene: AKR1C4 (aldo-keto reductase family 1 member C4; plus strand). Cytogenetic location: 10p15.1.
Variant type: single nucleotide variant.
Coding change: c.209C>T on transcript NM_001818.5 (MANE Select); coding-DNA position 209, C replaced by T.
Protein change: p.Ala70Val; replaces alanine 70 with valine.
Molecular consequence: missense variant.
Genome position (GRCh38, 1-based): chr10:5,200,305, C>T. VCF-style: chr10-5200305-C-T. GRCh37 (hg19) VCF-style: chr10-5242268-C-T.
Other names: short protein forms A70V.
Identifiers: ClinVar variation 4743254 (VCV004743254.1).

ClinVar aggregate classification (germline): Uncertain significance (1 of 4 stars; one submission).

Submission:

Labcorp Genetics (formerly Invitae), Labcorp
Classification: Uncertain significance. Last evaluated: 2025-09-02. Review status: criteria provided, single submitter. Criteria: Invitae Variant Classification Sherloc (09022015). Collection method: clinical testing. Allele origin: germline.
Comment: This sequence change replaces alanine, which is neutral and non-polar, with valine, which is neutral and non-polar, at codon 70 of the AKR1C4 protein (p.Ala70Val). This variant is not present in population databases (gnomAD no frequency). This variant has not been reported in the literature in individuals affected with AKR1C4-related conditions. An algorithm developed to predict the effect of missense changes on protein structure and function (PolyPhen-2) suggests that this variant is likely to be disruptive. In summary, the available evidence is currently insufficient to determine the role of this variant in disease. Therefore, it has been classified as a Variant of Uncertain Significance.